The following is an entry in ClinVar:

ClinVar aggregate classification (germline): Likely pathogenic (1 of 4 stars; one submission).

Conditions:
Multiple congenital anomalies-hypotonia-seizures syndrome 1 (MCAHS1). Also called: GLYCOSYLPHOSPHATIDYLINOSITOL BIOSYNTHESIS DEFECT 3; Congenital disorder of glycosylation due to PIGN deficiency; PIGN-CDG. Identifiers: Orphanet 280633, MedGen C3279775, MONDO:0013563, OMIM 614080.

Submission:

Labcorp Genetics (formerly Invitae), Labcorp
Classification: Likely pathogenic for Multiple congenital anomalies-hypotonia-seizures syndrome 1. Last evaluated: 2020-06-13. Review status: criteria provided, single submitter. Criteria: Invitae Variant Classification Sherloc (09022015). Collection method: clinical testing. Allele origin: germline.
Comment: This sequence change affects an acceptor splice site in intron 5 of the PIGN gene. It is expected to disrupt RNA splicing and likely results in an absent or disrupted protein product. This variant is not present in population databases (ExAC no frequency). This variant has not been reported in the literature in individuals with PIGN-related conditions. Donor and acceptor splice site variants typically lead to a loss of protein function (PMID: 16199547), and loss-of-function variants in PIGN are known to be pathogenic (PMID: 24253414, 27038415). In summary, the currently available evidence indicates that the variant is pathogenic, but additional data are needed to prove that conclusively. Therefore, this variant has been classified as Likely Pathogenic.

Literature cited by the submitters: PubMed 16199547; PubMed 24253414; PubMed 27038415.

NM_176787.5(PIGN):c.344-2A>C

Gene: PIGN (phosphatidylinositol glycan anchor biosynthesis class N; minus strand). Cytogenetic location: 18q21.33.
Variant type: single nucleotide variant.
Coding change: c.344-2A>C on transcript NM_176787.5 (MANE Select); the canonical splice acceptor site of the intron before coding-DNA position 344, A replaced by C.
Molecular consequence: splice acceptor variant.
Genome position (GRCh38, 1-based): chr18:62,157,229, T>G on the plus strand (A>C on the coding strand, the complement: PIGN is on the minus strand). VCF-style: chr18-62157229-T-G. GRCh37 (hg19) VCF-style: chr18-59824462-T-G.
Other names: c.344-2A>C (NM_012327.6).
Identifiers: ClinVar variation 1066520 (VCV001066520.2), dbSNP rs2147517939, ClinGen allele CA402603484.